The following is an entry in ClinVar:

ClinVar aggregate classification (germline): Uncertain significance (1 of 4 stars; one submission).

Submission:

Labcorp Genetics (formerly Invitae), Labcorp
Classification: Uncertain significance. Last evaluated: 2023-07-14. Review status: criteria provided, single submitter. Criteria: Invitae Variant Classification Sherloc (09022015). Collection method: clinical testing. Allele origin: germline.
Comment: This sequence change creates a premature translational stop signal (p.Leu443Cysfs*12) in the CAMK2B gene. It is expected to result in an absent or disrupted protein product. However, the current clinical and genetic evidence is not sufficient to establish whether loss-of-function variants in CAMK2B cause disease. This variant is not present in population databases (gnomAD no frequency). This variant has not been reported in the literature in individuals affected with CAMK2B-related conditions. In summary, the available evidence is currently insufficient to determine the role of this variant in disease. Therefore, it has been classified as a Variant of Uncertain Significance.

NM_001220.5(CAMK2B):c.1327del (p.Leu443fs)

Gene: CAMK2B (calcium/calmodulin dependent protein kinase II beta; minus strand). Cytogenetic location: 7p13.
Variant type: Deletion.
Coding change: c.1327del on transcript NM_001220.5 (MANE Select); coding-DNA position 1327, one base deleted (C; older notation c.1327delC).
Protein change: p.Leu443fs; shifts the reading frame from leucine 443.
Molecular consequence: frameshift variant. On other transcripts: intron variant (8).
Genome position (GRCh38, 1-based): chr7:44,229,400, G deleted on the plus strand (C on the coding strand, the reverse complement: CAMK2B is on the minus strand); the first of 5 consecutive G bases (chr7:44,229,400-44,229,404); deleting any one gives the same sequence. VCF-style (leftmost placement, unchanged base first): chr7-44229399-AG-A. GRCh37 (hg19) VCF-style: chr7-44268998-AG-A.
Other names: c.947-8499del (NM_172084.3); c.1150+1606del (NM_172080.3); c.1036+1606del (NM_172083.3); c.1108+1606del (NM_172081.3); c.1153+1606del (NM_172079.3, NM_172082.3); c.1225+1606del (NM_001293170.2, NM_172078.3); short protein forms L443fs.
Identifiers: ClinVar variation 2743198 (VCV002743198.3), dbSNP rs1398090277, ClinGen allele CA838781089.